The following is an entry in ClinVar:

NM_020708.5(SLC12A5):c.1975C>T (p.Arg659Cys)

Gene: SLC12A5 (solute carrier family 12 member 5; plus strand). Cytogenetic location: 20q13.12.
Variant type: single nucleotide variant.
Coding change: c.1975C>T on transcript NM_020708.5 (MANE Select); coding-DNA position 1975, C replaced by T.
Protein change: p.Arg659Cys; replaces arginine 659 with cysteine.
Molecular consequence: missense variant.
Genome position (GRCh38, 1-based): chr20:46,048,048, C>T. VCF-style: chr20-46048048-C-T. GRCh37 (hg19) VCF-style: chr20-44676687-C-T.
Other names: c.2044C>T, p.Arg682Cys (NM_001134771.2); short protein forms R659C, R682C.
Identifiers: ClinVar variation 844583 (VCV000844583.10), dbSNP rs1173713421, ClinGen allele CA409200527.

ClinVar aggregate classification (germline): Uncertain significance (1 of 4 stars; one submission).

Conditions:
Developmental and epileptic encephalopathy, 34 (DEE34). Also called: Early infantile epileptic encephalopathy 34; SLC12A5-Related Epilepsy of Infancy with Migrating Focal Seizures. Identifiers: Orphanet 293181, MedGen C4225257, MONDO:0014718, OMIM 616645.

Allele frequency attached by ClinVar (database versions not stated): gnomAD 0.00001; gnomAD exomes 0.00001.
gnomAD v4.1: 10 of 1,612,544 alleles (0.00062%); highest among the groups gnomAD compares: East Asian, 0.0022%; no homozygotes.

Submission:

Labcorp Genetics (formerly Invitae), Labcorp
Classification: Uncertain significance for Developmental and epileptic encephalopathy, 34. Last evaluated: 2019-10-25. Review status: criteria provided, single submitter. Criteria: Invitae Variant Classification Sherloc (09022015). Collection method: clinical testing. Allele origin: germline.
Comment: In summary, the available evidence is currently insufficient to determine the role of this variant in disease. Therefore, it has been classified as a Variant of Uncertain Significance. Algorithms developed to predict the effect of missense changes on protein structure and function (SIFT, PolyPhen-2, Align-GVGD) all suggest that this variant is likely to be disruptive, but these predictions have not been confirmed by published functional studies and their clinical significance is uncertain. This variant has not been reported in the literature in individuals with SLC12A5-related conditions. This variant is not present in population databases (ExAC no frequency). This sequence change replaces arginine with cysteine at codon 659 of the SLC12A5 protein (p.Arg659Cys). The arginine residue is highly conserved and there is a large physicochemical difference between arginine and cysteine.